The following is an entry in ClinVar:

ClinVar aggregate classification (germline): Uncertain significance. Review status: criteria provided, multiple submitters, no conflicts (2 of 4 stars). 2 submissions from 2 submitters: Uncertain significance (2). Last evaluated 2025-01-14.

Submissions (2):

Ambry Genetics
Classification: Uncertain significance. Last evaluated: 2025-01-14. Review status: criteria provided, single submitter. Criteria: Ambry Variant Classification Scheme 2023. Collection method: clinical testing. Allele origin: germline.
Comment: The p.H761R variant (also known as c.2282A>G), located in coding exon 8 of the RNF43 gene, results from an A to G substitution at nucleotide position 2282. The histidine at codon 761 is replaced by arginine, an amino acid with highly similar properties. This amino acid position is conserved. In addition, this alteration is predicted to be tolerated by in silico analysis. Based on the available evidence, the clinical significance of this variant remains unclear.

GeneDx
Classification: Uncertain significance. Last evaluated: 2024-03-13. Review status: criteria provided, single submitter. Criteria: GeneDx Variant Classification Process June 2021. Collection method: clinical testing. Allele origin: germline. Affected: yes.
Comment: Not observed at significant frequency in large population cohorts (gnomAD); In silico analysis supports that this missense variant does not alter protein structure/function; Has not been previously published as pathogenic or benign to our knowledge; Variants in candidate genes are classified as variants of uncertain significance in accordance with ACMG guidelines (PMID: 25741868)

NM_017763.6(RNF43):c.2282A>G (p.His761Arg)

Gene: RNF43 (ring finger protein 43; minus strand). Cytogenetic location: 17q22.
Variant type: single nucleotide variant.
Coding change: c.2282A>G on transcript NM_017763.6 (MANE Select); coding-DNA position 2282, A replaced by G.
Protein change: p.His761Arg; replaces histidine 761 with arginine.
Molecular consequence: missense variant.
Genome position (GRCh38, 1-based): chr17:58,357,494, T>C on the plus strand (A>G on the coding strand, the complement: RNF43 is on the minus strand). VCF-style: chr17-58357494-T-C. GRCh37 (hg19) VCF-style: chr17-56434855-T-C.
Other names: c.2282A>G, p.His761Arg (NM_001305544.3); c.1901A>G, p.His634Arg (NM_001305545.2); short protein forms H634R, H761R.
Identifiers: ClinVar variation 3370859 (VCV003370859.2).